The following is an entry in ClinVar:

ClinVar aggregate classification (germline): Uncertain significance. Review status: criteria provided, multiple submitters, no conflicts (2 of 4 stars). 6 submissions from 6 submitters: Uncertain significance (6). Last evaluated 2022-07-12.

Conditions:
Epilepsy, progressive myoclonic, 1B. Also called: PME. Identifiers: Orphanet 308, MedGen C2676254, MONDO:0012904, OMIM 612437.

Allele frequency attached by ClinVar (database versions not stated): gnomAD exomes 0.00001 and below 0.00001; TOPMed 0.00010; ExAC 0.00001; gnomAD 0.00008.
gnomAD v4.1: 17 of 1,614,100 alleles (0.0011%); highest among the groups gnomAD compares: African/African-American, 0.02%; no homozygotes.

Submissions (6):

Labcorp Genetics (formerly Invitae), Labcorp
Classification: Uncertain significance for Epilepsy, progressive myoclonic, 1B. Last evaluated: 2022-07-12. Review status: criteria provided, single submitter. Criteria: Invitae Variant Classification Sherloc (09022015). Collection method: clinical testing. Allele origin: germline.
Comment: This sequence change replaces arginine, which is basic and polar, with lysine, which is basic and polar, at codon 382 of the PRICKLE1 protein (p.Arg382Lys). This variant is present in population databases (rs748636455, gnomAD 0.01%). This variant has not been reported in the literature in individuals affected with PRICKLE1-related conditions. ClinVar contains an entry for this variant (Variation ID: 206664). Algorithms developed to predict the effect of missense changes on protein structure and function (SIFT, PolyPhen-2, Align-GVGD) all suggest that this variant is likely to be tolerated. In summary, the available evidence is currently insufficient to determine the role of this variant in disease. Therefore, it has been classified as a Variant of Uncertain Significance.

Ambry Genetics
Classification: Uncertain significance. Last evaluated: 2021-06-25. Review status: criteria provided, single submitter. Criteria: Ambry Variant Classification Scheme 2023. Collection method: clinical testing. Allele origin: germline.

GeneDx
Classification: Uncertain significance. Last evaluated: 2018-02-15. Review status: criteria provided, single submitter. Criteria: GeneDx Variant Classification (06012015). Collection method: clinical testing. Allele origin: germline. Affected: yes.
Comment: A variant of uncertain significance has been identified in the PRICKLE1 gene. The R382K variant has not been published as a pathogenic variant, nor has it been reported as a benign variant to our knowledge. The R382K variant is not observed at a significant frequency in large population cohorts (Lek et al., 2016; 1000 Genomes Consortium et al., 2015; Exome Variant Server). The R382K variant is a conservative amino acid substitution, which is not likely to impact secondary protein structure as these residues share similar properties. This substitution occurs at a position that is not conserved. In silico analysis is inconsistent in its predictions as to whether or not the variant is damaging to the protein structure/function. Based on the currently available information, it is unclear whether this variant is a pathogenic variant or a rare benign variant.

Athena Diagnostics
Classification: Uncertain significance. Last evaluated: 2017-09-26. Review status: criteria provided, single submitter. Criteria: Athena Diagnostics Criteria. Collection method: clinical testing. Allele origin: germline.

Genomic Diagnostic Laboratory, Division of Genomic Diagnostics, Children's Hospital of Philadelphia
Classification: Uncertain significance. Last evaluated: 2015-11-26. Review status: criteria provided, single submitter. Criteria: DGD Variant Analysis Guidelines. Collection method: clinical testing. Allele origin: unknown.

Eurofins Ntd Llc (ga)
Classification: Uncertain significance. Last evaluated: 2015-11-11. Review status: criteria provided, single submitter. Criteria: EGL Classification Definitions 2015. Collection method: clinical testing. Allele origin: germline. Observed: 1 variant allele, 1 heterozygote.

NM_153026.3(PRICKLE1):c.1145G>A (p.Arg382Lys)

Genes: PRICKLE1 (prickle planar cell polarity protein 1; minus strand), LOC126861509 (BRD4-independent group 4 enhancer GRCh37_chr12:42858567-42859766; plus strand). Cytogenetic location: 12q12.
Variant type: single nucleotide variant.
Coding change: c.1145G>A on transcript NM_153026.3 (MANE Select); coding-DNA position 1145, G replaced by A.
Protein change: p.Arg382Lys; replaces arginine 382 with lysine.
Molecular consequence: missense variant.
Genome position (GRCh38, 1-based): chr12:42,464,889, C>T on the plus strand (G>A on the coding strand, the complement: PRICKLE1 is on the minus strand). VCF-style: chr12-42464889-C-T. GRCh37 (hg19) VCF-style: chr12-42858691-C-T.
Other names: p.R382K:AGA>AAA; c.1145G>A, p.Arg382Lys (NM_001144881.2, NM_001144882.2, NM_001144883.2); short protein forms R382K.
Identifiers: ClinVar variation 206664 (VCV000206664.16), dbSNP rs748636455, ClinGen allele CA316982.